The following is an entry in ClinVar:

ClinVar aggregate classification (germline): Benign/Likely benign. Review status: criteria provided, multiple submitters, no conflicts (2 of 4 stars). 3 submissions from 3 submitters: Benign (1); Likely benign (2). Last evaluated 2026-09-01.

Conditions:
Familial thoracic aortic aneurysm and aortic dissection (TAAD). Also called: Thoracic aortic aneurysms and dissections. Identifiers: Orphanet 91387, MedGen C4707243, MONDO:0019625.

gnomAD v4.1: 7 of 1,614,186 alleles (0.00043%); highest among the groups gnomAD compares: Non-Finnish European, 0.00059%; no homozygotes.

Submissions (3):

CeGaT Center for Human Genetics Tuebingen
Classification: Likely benign. Last evaluated: 2026-09-01. Review status: criteria provided, single submitter. Criteria: CeGaT Center For Human Genetics Tuebingen Variant Classification Criteria Version 2. Collection method: clinical testing. Allele origin: germline. Affected: yes. Observed: 1 variant allele.
Comment: TGFBR2: BP4, BP7

Color Diagnostics, LLC DBA Color Health
Classification: Likely benign for Familial thoracic aortic aneurysm and aortic dissection. Last evaluated: 2025-07-07. Review status: criteria provided, single submitter. Criteria: ACMG Guidelines, 2015. Collection method: clinical testing. Allele origin: germline.

Laboratory of Genetics, Children's Clinical University Hospital Latvia
Classification: Benign. Last evaluated: 2025-02-16. Review status: criteria provided, single submitter. Criteria: ACMG Guidelines, 2015. Collection method: clinical testing. Allele origin: germline. Affected: yes.

NM_003242.6(TGFBR2):c.753G>T (p.Gly251=)

Gene: TGFBR2 (transforming growth factor beta receptor 2; plus strand). Cytogenetic location: 3p24.1.
Variant type: single nucleotide variant.
Coding change: c.753G>T on transcript NM_003242.6 (MANE Select); coding-DNA position 753, G replaced by T.
Protein change: p.Gly251=; no amino-acid change (glycine 251 retained).
Molecular consequence: synonymous variant. On other transcripts: intron variant (1).
Genome position (GRCh38, 1-based): chr3:30,671,936, G>T. VCF-style: chr3-30671936-G-T. GRCh37 (hg19) VCF-style: chr3-30713428-G-T.
Other names: c.828G>T, p.Gly276= (NM_001024847.3); c.936G>T, p.Gly312= (NM_001407126.1); c.861G>T, p.Gly287= (NM_001407127.1); c.780G>T, p.Gly260= (NM_001407128.1); c.756G>T, p.Gly252= (NM_001407129.1); c.753G>T, p.Gly251= (NM_001407130.1); c.648G>T, p.Gly216= (NM_001407132.1, NM_001407133.1, NM_001407134.1 and 2 more transcripts); c.468G>T, p.Gly156= (NM_001407137.1); and 2 more.
Identifiers: ClinVar variation 3910286 (VCV003910286.3).